The following is an entry in ClinVar:

ClinVar aggregate classification (germline): Uncertain significance (1 of 4 stars; one submission).

gnomAD v4.1: 2 of 1,612,544 alleles (0.00012%); highest among the groups gnomAD compares: Non-Finnish European, 0.000085%; no homozygotes.

Submission:

GeneDx
Classification: Uncertain significance. Last evaluated: 2024-05-17. Review status: criteria provided, single submitter. Criteria: GeneDx Variant Classification Process June 2021. Collection method: clinical testing. Allele origin: germline. Affected: yes.
Comment: Reported in a patient with developmental delay, autism, and hyperactivity in the published literature who also had a variant in another gene that may contribute to the phenotype ( (PMID: 36987741); In vitro functional studies did not suggest an effect on RAC1 activation or protein function (PMID: 36717740); In silico analysis supports that this missense variant has a deleterious effect on protein structure/function; Not observed at significant frequency in large population cohorts (gnomAD); This variant is associated with the following publications: (PMID: 36717740, 36987741)

NM_007118.4(TRIO):c.3421G>A (p.Val1141Met)

Gene: TRIO (trio Rho guanine nucleotide exchange factor; plus strand). Cytogenetic location: 5p15.2.
Variant type: single nucleotide variant.
Coding change: c.3421G>A on transcript NM_007118.4 (MANE Select); coding-DNA position 3421, G replaced by A.
Protein change: p.Val1141Met; replaces valine 1141 with methionine.
Molecular consequence: missense variant. On other transcripts: non-coding transcript variant (1).
Genome position (GRCh38, 1-based): chr5:14,378,101, G>A. VCF-style: chr5-14378101-G-A. GRCh37 (hg19) VCF-style: chr5-14378210-G-A.
Other names: short protein forms V1141M.
Identifiers: ClinVar variation 3377901 (VCV003377901.1).